The following is an entry in ClinVar:

ClinVar aggregate classification (germline): Uncertain significance (1 of 4 stars; one submission).

Submission:

Labcorp Genetics (formerly Invitae), Labcorp
Classification: Uncertain significance. Last evaluated: 2024-02-08. Review status: criteria provided, single submitter. Criteria: Invitae Variant Classification Sherloc (09022015). Collection method: clinical testing. Allele origin: germline.
Comment: This sequence change creates a premature translational stop signal (p.Pro383Alafs*6) in the DVL1 gene. It is expected to result in an absent or disrupted protein product. However, the current clinical and genetic evidence is not sufficient to establish whether loss-of-function variants in DVL1 cause disease. This variant is not present in population databases (gnomAD no frequency). This variant has not been reported in the literature in individuals affected with DVL1-related conditions. In summary, the available evidence is currently insufficient to determine the role of this variant in disease. Therefore, it has been classified as a Variant of Uncertain Significance.

NM_001330311.2(DVL1):c.1221_1222del (p.Pro408fs)

Gene: DVL1 (dishevelled segment polarity protein 1; minus strand). Cytogenetic location: 1p36.33.
Variant type: Microsatellite.
Coding change: c.1221_1222del on transcript NM_001330311.2 (MANE Select); coding-DNA positions 1221 to 1222, 2 bases deleted (GC; older notation c.1221_1222delGC).
Protein change: p.Pro408fs; shifts the reading frame from proline 408.
Molecular consequence: frameshift variant.
Genome position (GRCh38, 1-based): chr1:1,338,639-1,338,640, GC deleted on the plus strand (GC on the coding strand, the reverse complement: DVL1 is on the minus strand); deleting any 2 consecutive bases within chr1:1,338,639-1,338,642 gives the same sequence; the c. name uses the placement nearest the transcript's 3' end. VCF-style (leftmost placement, unchanged base first): chr1-1338638-GGC-G. GRCh37 (hg19) VCF-style: chr1-1274018-GGC-G.
Other names: c.1146_1147del, p.Pro383fs (NM_004421.3); short protein forms P383fs, P408fs.
Identifiers: ClinVar variation 3639777 (VCV003639777.2).